The following is an entry in ClinVar:

NM_000091.5(COL4A3):c.1216C>T (p.Arg406Ter)

Genes: COL4A3 (collagen type IV alpha 3 chain; plus strand), MFF-DT (MFF divergent transcript; minus strand). Cytogenetic location: 2q36.3.
Variant type: single nucleotide variant.
Coding change: c.1216C>T on transcript NM_000091.5 (MANE Select); coding-DNA position 1216, C replaced by T.
Protein change: p.Arg406Ter; replaces arginine 406 with a stop codon.
Molecular consequence: nonsense.
Genome position (GRCh38, 1-based): chr2:227,263,845, C>T. VCF-style: chr2-227263845-C-T. GRCh37 (hg19) VCF-style: chr2-228128561-C-T.
Other names: short protein forms R406*.
Identifiers: ClinVar variation 495548 (VCV000495548.26), dbSNP rs371334239, ClinGen allele CA66631792.
Genomic context (GRCh38, chr2:227,263,845, plus strand): 5'-TCAAGGCCTGGCCTCAGAGGAGCCCCTGGATGGCCAGGCCTGAAAGGAAGTAAAGGGGAA[C>T]GAGGCCGCCCAGGAAAGGATGCCATGGGGACTCCTGGGTCCCCAGGTTGTGCTGGTTCAC-3'

ClinVar aggregate classification (germline): Pathogenic. Review status: criteria provided, multiple submitters, no conflicts (2 of 4 stars). 10 submissions from 10 submitters: Pathogenic (8). 2 of the submissions do not count toward it. Last evaluated 2026-03-11.

Conditions:
Alport syndrome. Also called: Hemorrhagic familial nephritis; Hemorrhagic hereditary nephritis; Congenital hereditary hematuria. Identifiers: Orphanet 63, MedGen C1567741, MONDO:0018965.
Autosomal dominant Alport syndrome (ATS3A). Also called: ALPORT SYNDROME 3A, AUTOSOMAL DOMINANT; Alport syndrome dominant type; Renal failure and sensorineural hearing loss. Identifiers: Orphanet 63, Orphanet 88918, MedGen C5882663, MONDO:0007086, OMIM 104200.
Hematuria, benign familial, 2 (BFH2). Identifiers: MedGen C5830421, MONDO:0958186, OMIM 620320.
Alport syndrome 3b, autosomal recessive. Identifiers: MedGen C5882699, MONDO:0957811, OMIM 620536.
COL4A3-related disorder. Also called: COL4A3-Related Disorders; COL4A3-related condition.
Autosomal recessive Alport syndrome (ATS2). Also called: ALPORT SYNDROME 2, AUTOSOMAL RECESSIVE; Alport syndrome type 2; COL4A3-Related Nephropathy; COL4A4 Alport Syndrome and Thin Basement Membrane Nephropathy. Identifiers: Orphanet 63, Orphanet 88919, MedGen C4746745, MONDO:0008762, OMIM 203780.

Allele frequency attached by ClinVar (database versions not stated): gnomAD 0.00005; gnomAD exomes 0.00002; TOPMed 0.00003.
gnomAD v4.1: 18 of 1,613,990 alleles (0.0011%); highest among the groups gnomAD compares: African/African-American, 0.012%; no homozygotes.

Submissions (10):

Genetics laboratory, Institute of Kidney Diseases & Research Centre Dr. H.L. Trivedi Institute Of Transplantation Sciences
Classification: Pathogenic for Autosomal dominant Alport syndrome. Last evaluated: 2026-03-11. Review status: criteria provided, single submitter. Criteria: ACMG Guidelines, 2015. Collection method: clinical testing. Allele origin: germline. Inheritance: Autosomal dominant inheritance. Affected: yes. Observed: 1 variant allele, 1 heterozygote.
Comment: The COL4A3 variant c.1216C>T (p.Arg406*) is classified as Pathogenic based on ACMG criteria. This nonsense variant introduces a premature stop codon predicted to result in truncation or nonsense-mediated decay of the COL4A3 protein. The variant was identified in trans with another pathogenic/likely pathogenic COL4A3 variant, supporting its role in COL4A3-related hereditary nephropathy.

Variantyx, Inc.
Classification: Pathogenic for Alport syndrome 3b, autosomal recessive. Last evaluated: 2026-01-07. Review status: criteria provided, single submitter. Criteria: Variantyx Assertion Criteria 2022. Collection method: clinical testing. Allele origin: germline. Inheritance: Autosomal recessive inheritance. Affected: yes.
Comment: This is a nonsense variant in the COL4A3 gene (OMIM: 120070). Pathogenic variants in this gene have been associated with autosomal recessive Alport spectrum. This variant introduces a premature termination codon in exon 21 out of 52a nd is expected to result in loss of function, which is a known disease mechanism for COL4A3 in this disorder (PMID: 8956999, 24854265, 26809805, 27281700) (PVS1). This variant has been identified in the homozygous or compound heterozygous state in at least 3 individuals reported in the published literature (PMID: 33772369, 38294522) (PM3). This variant has a 0.0120% maximum allele frequency in non-founder control populations (PM2). Based on the current evidence, this variant is classified as pathogenic for autosomal recessive Alport spectrum.

Natera, Inc.
Classification: Pathogenic for Alport syndrome. Last evaluated: 2025-05-02. Review status: criteria provided, single submitter. Criteria: Natera Variant Classification Schema (03/2026). Collection method: clinical testing. Allele origin: germline.
Comment: The c.1216C>T variant in COL4A3 is a nonsense variant predicted to introduce a stop codon at amino acid 406. This variant is expected to result in nonsense mediated decay, truncation, or a dysfunctional protein product. This variant is rare in the general population with a frequency below the threshold expected for the associated phenotype(s). This variant has been observed in one or more individuals affected with the associated recessive disease, as either homozygous or compound heterozygous with a second variant (PMID: 33772369). Given the available evidence, this variant is classified as Pathogenic.

Labcorp Genetics (formerly Invitae), Labcorp
Classification: Pathogenic. Last evaluated: 2025-02-10. Review status: criteria provided, single submitter. Criteria: Invitae Variant Classification Sherloc (09022015). Collection method: clinical testing. Allele origin: germline.
Comment: This sequence change creates a premature translational stop signal (p.Arg406*) in the COL4A3 gene. It is expected to result in an absent or disrupted protein product. Loss-of-function variants in COL4A3 are known to be pathogenic (PMID: 8956999, 24854265, 26809805, 27281700). This variant is present in population databases (no rsID available, gnomAD 0.01%). This premature translational stop signal has been observed in individual(s) with end stage renal disease or Alport syndrome (PMID: 11134255, 29270492). ClinVar contains an entry for this variant (Variation ID: 495548). For these reasons, this variant has been classified as Pathogenic.

GeneDx
Classification: Pathogenic. Last evaluated: 2024-07-16. Review status: criteria provided, single submitter. Criteria: GeneDx Variant Classification Process June 2021. Collection method: clinical testing. Allele origin: germline. Affected: yes.
Comment: Reported in a patient with Alport syndrome who also harbored a COL4A5 deletion in published literature (PMID: 29270492); Nonsense variant predicted to result in protein truncation or nonsense mediated decay in a gene for which loss of function is a known mechanism of disease; This variant is associated with the following publications: (PMID: 25525159, 11134255, 35675912, 29270492, 35369551, 38294522, Lee_2022_Article, 33772369)

Fulgent Genetics
Classification: Pathogenic for Autosomal dominant Alport syndrome; Hematuria, benign familial, 2; Alport syndrome 3b, autosomal recessive. Last evaluated: 2024-05-01. Review status: criteria provided, single submitter. Criteria: ACMG Guidelines, 2015. Collection method: clinical testing. Allele origin: germline.

Women's Health and Genetics/Laboratory Corporation of America, LabCorp
Classification: Pathogenic for Autosomal recessive Alport syndrome. Last evaluated: 2016-06-26. Review status: criteria provided, single submitter. Criteria: LabCorp Variant Classification Summary - May 2015. Collection method: clinical testing. Allele origin: germline.
Comment: Variant summary: The COL4A3 c.1216C>T (p.Arg406X) variant causes a premature termination codon, predicted to cause a truncated or absent COL4A3 protein due to nonsense mediated decay, which are commonly known mechanisms for disease. The variant of interest was not observed in controls (ExAC, 1000 Gs or ESP) and has been reported in an affected individual, who was homozygous for the variant (Heidet_2001). Therefore, taking all the available lines of evidence into consideration, the variant of interest has been classified as Pathogenic.

Neuberg Centre For Genomic Medicine, NCGM
Classification: Pathogenic for Autosomal recessive Alport syndrome. Review status: criteria provided, single submitter. Criteria: ACMG Guidelines, 2015. Collection method: clinical testing. Allele origin: germline. Affected: yes.
Comment: The stop gained p.R406* in COL4A3 (NM_000091.5) has been previously reported in multiple affected individuals (Heidet L et al; Yamamura T et al). The variant has been submiited to ClinVar as Pathogenic. This variant is predicted to cause loss of normal protein function through protein truncation. Loss of function variants have been reported previously to be disease causing. For these reasons, this variant has been classified as Pathogenic.

PreventionGenetics, part of Exact Sciences
Classification: Pathogenic for COL4A3-related condition. Last evaluated: 2024-03-19. Review status: no assertion criteria provided. Collection method: clinical testing. Allele origin: germline. Not counted in ClinVar's aggregate classification.
Comment: The COL4A3 c.1216C>T variant is predicted to result in premature protein termination (p.Arg406*). This variant has been reported in both the homozygous state and heterozygous state with a second COL4A3 mutation in multiple unrelated individuals with Alport syndrome (Heidet et al. 2001. PubMed ID: 11134255; Zhang et al. 2021. PubMed ID: 33772369; Horinouchi et al. 2020. PubMed ID: 35369551). This variant has also been reported in the heterozygous state along with a causative heterozygous COL4A5 mutation in unrelated individuals with Alport syndrome demonstrating digenic inheritance (Yamamura et al. 2017. PubMed ID: 29270492; Table S2, Savige et al. 2022. PubMed ID: 35675912). This variant is reported in 0.010% of alleles in individuals of East Asian descent in gnomAD. Nonsense variants in COL4A3 are expected to be pathogenic. This variant is interpreted as pathogenic.

Counsyl
Classification: Likely pathogenic for Autosomal recessive Alport syndrome. Last evaluated: 2017-08-23. Review status: no assertion criteria provided. Collection method: clinical testing. Allele origin: unknown. Not counted in ClinVar's aggregate classification.

Literature cited by the submitters: PubMed 8956999 (cited by Variantyx, Inc. and Labcorp Genetics (formerly Invitae), Labcorp); PubMed 24854265 (cited by Variantyx, Inc. and Labcorp Genetics (formerly Invitae), Labcorp); PubMed 26809805 (cited by Variantyx, Inc. and Labcorp Genetics (formerly Invitae), Labcorp); PubMed 27281700 (cited by Variantyx, Inc. and Labcorp Genetics (formerly Invitae), Labcorp); PubMed 33772369 (cited by Variantyx, Inc. and Natera, Inc.); PubMed 38294522 (cited by Variantyx, Inc.); PubMed 11134255 (cited by 3 submitters); PubMed 29270492 (cited by Labcorp Genetics (formerly Invitae), Labcorp).